The following is an entry in ClinVar:

NM_000038.6(APC):c.835-730A>C

Gene: APC (APC regulator of WNT signaling pathway; plus strand). Cytogenetic location: 5q22.2.
Variant type: single nucleotide variant.
Coding change: c.835-730A>C on transcript NM_000038.6 (MANE Select); 730 bases into the intron before coding-DNA position 835, A replaced by C.
Molecular consequence: intron variant.
Genome position (GRCh38, 1-based): chr5:112,814,765, A>C. VCF-style: chr5-112814765-A-C. GRCh37 (hg19) VCF-style: chr5-112150462-A-C.
Other names: c.835-730A>C (NM_001354895.2, NM_001127510.3, NM_001354896.2 and 1 more transcripts); c.865-730A>C (NM_001354897.2, NM_001354902.2); c.781-730A>C (NM_001127511.3); c.760-730A>C (NM_001354898.2, NM_001354904.2); c.-15-730A>C (NM_001354906.2); c.751-730A>C (NM_001354899.2); c.658-730A>C (NM_001354900.2, NM_001354901.2, NM_001354905.2).
Identifiers: ClinVar variation 83097 (VCV000083097.2), dbSNP rs75204869, ClinGen allele CA015384.

ClinVar aggregate classification (germline): other (0 of 4 stars; one submission).

Conditions:
Familial colorectal cancer. Identifiers: MedGen CN280943, MONDO:0023113. Disease mechanism: loss of function.

Submission:

Systems Biology Platform Zhejiang California International NanoSystems Institute
Classification: other for Familial colorectal cancer. Review status: no assertion criteria provided. Collection method: not provided. Allele origin: unknown.
ClinVar note: Converted during submission from cancer to other.